The following is an entry in ClinVar:

ClinVar aggregate classification (germline): Likely benign (1 of 4 stars; one submission).

gnomAD v4.1: 10 of 1,191,964 alleles (0.00084%); highest among the groups gnomAD compares: Non-Finnish European, 0.001%; no homozygotes.

Submission:

CeGaT Center for Human Genetics Tuebingen
Classification: Likely benign. Last evaluated: 2025-01-01. Review status: criteria provided, single submitter. Criteria: CeGaT Center For Human Genetics Tuebingen Variant Classification Criteria Version 2. Collection method: clinical testing. Allele origin: germline. Affected: yes. Observed: 1 variant allele.
Comment: PDXK: BP4, BP7

NM_003681.5(PDXK):c.142+3261C>T

Gene: PDXK (pyridoxal kinase; plus strand). Cytogenetic location: 21q22.3.
Variant type: single nucleotide variant.
Coding change: c.142+3261C>T on transcript NM_003681.5 (MANE Select); 3261 bases into the intron after coding-DNA position 142, C replaced by T.
Molecular consequence: intron variant.
Genome position (GRCh38, 1-based): chr21:43,737,384, C>T. VCF-style: chr21-43737384-C-T. GRCh37 (hg19) VCF-style: chr21-45157265-C-T.
Identifiers: ClinVar variation 3771423 (VCV003771423.13).